The following is an entry in ClinVar:

NM_198965.2(PTHLH):c.2T>C (p.Met1Thr)

Gene: PTHLH (parathyroid hormone like hormone; minus strand). Cytogenetic location: 12p11.22.
Variant type: single nucleotide variant.
Coding change: c.2T>C on transcript NM_198965.2 (MANE Select); coding-DNA position 2, T replaced by C.
Protein change: p.Met1Thr; changes the start codon (methionine 1).
Molecular consequence: missense variant, initiator codon variant.
Genome position (GRCh38, 1-based): chr12:27,969,493, A>G on the plus strand (T>C on the coding strand, the complement: PTHLH is on the minus strand). VCF-style: chr12-27969493-A-G. GRCh37 (hg19) VCF-style: chr12-28122426-A-G.
Other names: c.2T>C, p.Met1Thr (NM_002820.3, NM_198964.2, NM_198966.2); short protein forms M1T.
Identifiers: ClinVar variation 2811749 (VCV002811749.3), dbSNP rs2539971705, ClinGen allele CA384339873.

ClinVar aggregate classification (germline): Likely pathogenic (1 of 4 stars; one submission).

Submission:

Labcorp Genetics (formerly Invitae), Labcorp
Classification: Likely pathogenic. Last evaluated: 2022-11-03. Review status: criteria provided, single submitter. Criteria: Invitae Variant Classification Sherloc (09022015). Collection method: clinical testing. Allele origin: germline.
Comment: In summary, the currently available evidence indicates that the variant is pathogenic, but additional data are needed to prove that conclusively. Therefore, this variant has been classified as Likely Pathogenic. This variant has not been reported in the literature in individuals affected with PTHLH-related conditions. This variant is not present in population databases (gnomAD no frequency). This sequence change affects the initiator methionine of the PTHLH mRNA. There are no downstream in-frame methionine residues; therefore, it is expected to result in an absent or disrupted protein product. Loss-of-function variants in PTHLH are known to be pathogenic (PMID: 20170896, 26640227, 26763883).

Literature cited by the submitters: PubMed 20170896; PubMed 26640227; PubMed 26763883.